The following is an entry in ClinVar:

NM_001365088.1(SLC12A6):c.318C>T (p.Asp106=)

Gene: SLC12A6 (solute carrier family 12 member 6; minus strand). Cytogenetic location: 15q14.
Variant type: single nucleotide variant.
Coding change: c.318C>T on transcript NM_001365088.1 (MANE Select); coding-DNA position 318, C replaced by T.
Protein change: p.Asp106=; no amino-acid change (aspartic acid 106 retained).
Molecular consequence: synonymous variant.
Genome position (GRCh38, 1-based): chr15:34,261,019, G>A on the plus strand (C>T on the coding strand, the complement: SLC12A6 is on the minus strand). VCF-style: chr15-34261019-G-A. GRCh37 (hg19) VCF-style: chr15-34553220-G-A.
Other names: p.Asp106=; c.141C>T, p.Asp47= (NM_001042494.2, NM_001042495.2); c.291C>T, p.Asp97= (NM_001042496.2); c.273C>T, p.Asp91= (NM_001042497.2); c.165C>T, p.Asp55= (NM_005135.2); c.318C>T, p.Asp106= (NM_133647.2).
Identifiers: ClinVar variation 382639 (VCV000382639.29), dbSNP rs116086579, ClinGen allele CA7464595.

ClinVar aggregate classification (germline): Benign/Likely benign. Review status: criteria provided, multiple submitters, no conflicts (2 of 4 stars). 10 submissions from 10 submitters: Benign (4); Likely benign (4). 2 of the submissions do not count toward it. Last evaluated 2026-01-28.

Conditions:
Inborn genetic diseases. Identifiers: MedGen C0950123, MeSH D030342.
Agenesis of the corpus callosum with peripheral neuropathy (ACCPN). Also called: Hereditary Motor and Sensory Neuropathy with Agenesis of the Corpus Callosum; POLYNEUROPATHY, SENSORIMOTOR, WITH OR WITHOUT AGENESIS OF THE CORPUS CALLOSUM; CHARLEVOIX DISEASE; HMSN/ACC. Identifiers: Orphanet 1496, MedGen C0795950, MONDO:0000902, OMIM 218000. Disease mechanism: loss of function.

Allele frequency attached by ClinVar (database versions not stated): gnomAD exomes 0.00043 and 0.00129; ExAC 0.00153; gnomAD 0.00535 and 0.00575; ESP Exome Variant Server 0.00554; TOPMed 0.00562; 1000 Genomes Project 0.00619; 1000 Genomes Project 30x 0.00687.
gnomAD v4.1: 1,413 of 1,513,444 alleles (0.093%); highest among the groups gnomAD compares: African/African-American, 1.7%; 4 homozygotes.

Submissions (10):

Labcorp Genetics (formerly Invitae), Labcorp
Classification: Benign. Last evaluated: 2026-01-28. Review status: criteria provided, single submitter. Criteria: Invitae Variant Classification Sherloc (09022015). Collection method: clinical testing. Allele origin: germline.

ARUP Laboratories, Molecular Genetics and Genomics, ARUP Laboratories
Classification: Likely benign. Last evaluated: 2024-03-08. Review status: criteria provided, single submitter. Criteria: ARUP Molecular Germline Variant Investigation Process 2024. Collection method: clinical testing. Allele origin: germline.

Mayo Clinic Laboratories, Mayo Clinic
Classification: Benign. Last evaluated: 2023-06-05. Review status: criteria provided, single submitter. Criteria: ACMG Guidelines, 2015. Collection method: clinical testing. Allele origin: germline. Observed: 7 variant alleles.

Ambry Genetics
Classification: Likely benign for Inborn genetic diseases. Last evaluated: 2022-06-22. Review status: criteria provided, single submitter. Criteria: Ambry Variant Classification Scheme 2023. Collection method: clinical testing. Allele origin: germline.

Genome-Nilou Lab
Classification: Benign for Agenesis of the corpus callosum with peripheral neuropathy. Last evaluated: 2021-07-15. Review status: criteria provided, single submitter. Criteria: ACMG Guidelines, 2015. Collection method: clinical testing. Allele origin: germline. Affected: no.

GeneDx
Classification: Likely benign. Last evaluated: 2018-01-31. Review status: criteria provided, single submitter. Criteria: GeneDx Variant Classification (06012015). Collection method: clinical testing. Allele origin: germline. Affected: yes.
Comment: This variant is considered likely benign or benign based on one or more of the following criteria: it is a conservative change, it occurs at a poorly conserved position in the protein, it is predicted to be benign by multiple in silico algorithms, and/or has population frequency not consistent with disease.

Illumina Laboratory Services, Illumina
Classification: Benign for Agenesis of the corpus callosum with peripheral neuropathy. Last evaluated: 2018-01-13. Review status: criteria provided, single submitter. Criteria: ICSL Variant Classification Criteria 13 December 2019. Collection method: clinical testing. Allele origin: germline.
Comment: This variant was observed in the ICSL laboratory as part of a predisposition screen in an ostensibly healthy population. It had not been previously curated by ICSL or reported in the Human Gene Mutation Database (HGMD: prior to June 1st, 2018), and was therefore a candidate for classification through an automated scoring system. Utilizing variant allele frequency, disease prevalence and penetrance estimates, and inheritance mode, an automated score was calculated to assess if this variant is too frequent to cause the disease. Based on the score and internal cut-off values, a variant classified as benign is not then subjected to further curation. The score for this variant resulted in a classification of benign for this disease.

Breakthrough Genomics
Classification: Likely benign. Review status: criteria provided, single submitter. Criteria: ACMG Guidelines, 2015. Collection method: not provided. Allele origin: germline. Inheritance: Autosomal recessive inheritance. Affected: yes.

Clinical Genetics DNA and cytogenetics Diagnostics Lab, Erasmus MC, Erasmus Medical Center
Classification: Benign. Review status: no assertion criteria provided. Collection method: clinical testing. Allele origin: germline. Affected: yes. Study: VKGL Data-share Consensus. Not counted in ClinVar's aggregate classification.

Clinical Genetics, Academic Medical Center
Classification: Benign. Review status: no assertion criteria provided. Collection method: clinical testing. Allele origin: germline. Affected: yes. Study: VKGL Data-share Consensus. Not counted in ClinVar's aggregate classification.